The following is an entry in ClinVar:

NM_001613.4(ACTA2):c.130-9C>A

Gene: ACTA2 (actin alpha 2, smooth muscle; minus strand). Cytogenetic location: 10q23.31.
Variant type: single nucleotide variant.
Coding change: c.130-9C>A on transcript NM_001613.4 (MANE Select); 9 bases into the intron before coding-DNA position 130, C replaced by A.
Molecular consequence: intron variant.
Genome position (GRCh38, 1-based): chr10:88,947,395, G>T on the plus strand (C>A on the coding strand, the complement: ACTA2 is on the minus strand). VCF-style: chr10-88947395-G-T. GRCh37 (hg19) VCF-style: chr10-90707152-G-T.
Other names: c.129+1407C>A (NM_001406467.1, NM_001406468.1, NM_001406469.1); c.130-9C>A (NM_001320855.2, NM_001406462.1, NM_001406471.1 and 4 more transcripts).
Identifiers: ClinVar variation 2193022 (VCV002193022.6), dbSNP rs769557305, ClinGen allele CA026988.

ClinVar aggregate classification (germline): Conflicting classifications of pathogenicity. Review status: criteria provided, conflicting classifications (1 of 4 stars). 3 submissions from 3 submitters: Uncertain significance (1); Likely benign (2). Last evaluated 2025-03-27.

Conditions:
Familial thoracic aortic aneurysm and aortic dissection (TAAD). Also called: Thoracic aortic aneurysms and dissections. Identifiers: Orphanet 91387, MedGen C4707243, MONDO:0019625.
Aortic aneurysm, familial thoracic 6 (AAT6). Also called: FAMILIAL THORACIC AORTIC ANEURYSM WITH LIVEDO RETICULARIS AND IRIS FLOCCULI. Identifiers: MedGen C2673186, MONDO:0012730, OMIM 611788.

Allele frequency attached by ClinVar (database versions not stated): gnomAD 0.00001; gnomAD exomes 0.00001; TOPMed 0.00001; ExAC 0.00002.
gnomAD v4.1: 7 of 1,613,592 alleles (0.00043%); highest among the groups gnomAD compares: Admixed American, 0.012%; no homozygotes.

Submissions (3):

Labcorp Genetics (formerly Invitae), Labcorp
Classification: Likely benign for Aortic aneurysm, familial thoracic 6. Last evaluated: 2025-03-27. Review status: criteria provided, single submitter. Criteria: Invitae Variant Classification Sherloc (09022015). Collection method: clinical testing. Allele origin: germline.

Color Diagnostics, LLC DBA Color Health
Classification: Likely benign for Familial thoracic aortic aneurysm and aortic dissection. Last evaluated: 2024-05-20. Review status: criteria provided, single submitter. Criteria: ACMG Guidelines, 2015. Collection method: clinical testing. Allele origin: germline.

All of Us Research Program, National Institutes of Health
Classification: Uncertain significance for Familial thoracic aortic aneurysm and aortic dissection. Last evaluated: 2023-10-27. Review status: criteria provided, single submitter. Criteria: ACMG Guidelines, 2015. Collection method: clinical testing. Allele origin: germline. Inheritance: Autosomal dominant inheritance. Observed: 2 variant alleles, 2 heterozygotes.
Comment: This variant causes a C to A nucleotide substitution at the -9 position of intron 2 of the ACTA2 gene. To our knowledge, functional studies have not been reported for this variant. This variant has not been reported in individuals affected with ACTA2-related disorders in the literature. This variant has been identified in 5/250918 chromosomes in the general population by the Genome Aggregation Database (gnomAD). The available evidence is insufficient to determine the role of this variant in disease conclusively. Therefore, this variant is classified as a Variant of Uncertain Significance.

This study involves interpretation of variants in research participants for the purpose of population health screening. Participant phenotype was not available at the time of variant classification. Additional details can be found in publication PMID: 35346344, PMCID: PMC8962531